The following is an entry in ClinVar:

NM_007294.4(BRCA1):c.3G>T (p.Met1Ile)

Gene: BRCA1 (BRCA1 DNA repair associated; minus strand). Cytogenetic location: 17q21.31.
Variant type: single nucleotide variant.
Coding change: c.3G>T on transcript NM_007294.4 (MANE Select); coding-DNA position 3, G replaced by T.
Protein change: p.Met1Ile; changes the start codon (methionine 1).
Molecular consequence: missense variant, initiator codon variant. On other transcripts: 5 prime UTR variant (1), non-coding transcript variant (1).
Genome position (GRCh38, 1-based): chr17:43,124,094, C>A on the plus strand (G>T on the coding strand, the complement: BRCA1 is on the minus strand). VCF-style: chr17-43124094-C-A. GRCh37 (hg19) VCF-style: chr17-41276111-C-A.
Other names: p.Met1?; c.3G>T, p.Met1Ile (NM_001407977.1, NM_001407978.1, NM_001407979.1 and 193 more transcripts); c.-258G>T (NM_001408410.1, NM_001408452.1, NM_001408462.1 and 22 more transcripts); c.-186G>T (NM_001407571.1, NM_001408478.1, NM_001408479.1 and 46 more transcripts); c.-85G>T (NM_001408454.1, NM_001408459.1, NM_001408460.1 and 23 more transcripts); c.-255G>T (NM_001408455.1, NM_001408456.1, NM_001408468.1 and 11 more transcripts); c.-259G>T (NM_001408465.1, NM_001407695.1); c.-400G>T (NM_001407696.1); and 9 more; short protein forms M1I.
Identifiers: ClinVar variation 55072 (VCV000055072.29), dbSNP rs80357475, ClinGen allele CA002562.

ClinVar aggregate classification (germline): Pathogenic. Review status: reviewed by expert panel (3 of 4 stars). 12 submissions from 12 submitters: Pathogenic (1). 11 of the submissions do not count toward it. Last evaluated 2019-06-18.

Conditions:
BRCA1-related disorder. Also called: BRCA1-related condition.
Hereditary cancer-predisposing syndrome. Also called: Hereditary Cancer Syndrome; Hereditary neoplastic syndrome; Neoplastic Syndromes, Hereditary; Tumor predisposition. Identifiers: Orphanet 140162, MedGen C0027672, MeSH D009386, MONDO:0015356.
Breast-ovarian cancer, familial, susceptibility to, 1 (BROVCA1). Also called: BRCA1 Hereditary Breast and Ovarian Cancer; OVARIAN CANCER, SUSCEPTIBILITY TO. Identifiers: Orphanet 145, MedGen C2676676, MONDO:0011450, OMIM 604370. Disease mechanism: loss of function.
Familial cancer of breast. Also called: hereditary breast carcinoma; BREAST CANCER, FAMILIAL; Hereditary breast cancer. Identifiers: Orphanet 227535, MedGen C0346153, MONDO:0016419, OMIM 114480. Disease mechanism: loss of function.
Fanconi anemia, complementation group S (FANCS). Identifiers: MedGen C4554406, MONDO:0054748, OMIM 617883.
Pancreatic cancer, susceptibility to, 4. Identifiers: Orphanet 1333, MedGen C3280442, MONDO:0013685, OMIM 614320.
Hereditary breast ovarian cancer syndrome. Also called: BRCA1- and BRCA2-Associated Hereditary Breast and Ovarian Cancer; Hereditary breast and ovarian cancer syndrome; Hereditary breast and ovarian cancer syndrome (HBOC); Breast and ovarian cancer; Hereditary breast and/or ovarian cancer syndrome; Hereditary breast and ovarian cancer. Identifiers: Orphanet 145, MedGen C0677776, MeSH D061325, MONDO:0003582. Disease mechanism: loss of function.

Allele frequency attached by ClinVar (database versions not stated): gnomAD exomes below 0.00001.

Submissions 1 to 10 of 13:

Evidence-based Network for the Interpretation of Germline Mutant Alleles (ENIGMA)
Classification: Pathogenic for Breast-ovarian cancer, familial, susceptibility to, 1. Last evaluated: 2019-06-18. Review status: reviewed by expert panel. Criteria: ENIGMA BRCA1/2 Classification Criteria (2017-06-29). Collection method: curation. Allele origin: germline.
Comment: IARC class based on posterior probability from multifactorial likelihood analysis, thresholds for class as per Plon et al. 2008 (PMID: 18951446). Class 5 based on posterior probability = 0.994371

Women's Health and Genetics/Laboratory Corporation of America, LabCorp
Classification: Pathogenic for Hereditary breast ovarian cancer syndrome. Last evaluated: 2026-03-16. Review status: criteria provided, single submitter. Criteria: LabCorp Variant Classification Summary - May 2015. Collection method: clinical testing. Allele origin: germline. Not counted in ClinVar's aggregate classification.
Comment: Variant summary: BRCA1 c.3G>T (p.Met1Ile) alters the initiation codon and is predicted to result either in absence of the protein or truncation of the encoded protein due to translation initiation at a downstream codon (Met18). The variant was absent in 250886 control chromosomes. c.3G>T has been observed in individuals affected with Hereditary Breast And Ovarian Cancer Syndrome (e.g. Walsh_2011, Pal_2015, Lang_2017, Ho_2024). These data indicate that the variant is likely to be associated with disease. At least one functional study reports experimental evidence evaluating an impact on protein function and showed a damaging effect of this variant on homology directed repair (HDR) activity (e.g. Findlay_2018). HDR assays qualify as a recognized gold standard on the basis of updated guidance provided by the ClinGen Sequence Variant Interpretation (SVI) working group. The following publications have been ascertained in the context of this evaluation (PMID: 30209399, 38333895, 28294317, 26287763, 22006311). ClinVar contains an entry for this variant (Variation ID: 55072). Based on the evidence outlined above, the variant was classified as pathogenic.

Mayo Clinic Laboratories, Mayo Clinic
Classification: Pathogenic. Last evaluated: 2025-01-27. Review status: criteria provided, single submitter. Criteria: ACMG Guidelines, 2015. Collection method: clinical testing. Allele origin: germline. Observed: 1 variant allele. Not counted in ClinVar's aggregate classification.
Comment: PP4_moderate, PM2_supporting, PS3, PVS1

Ambry Genetics
Classification: Pathogenic for Hereditary cancer-predisposing syndrome. Last evaluated: 2024-09-22. Review status: criteria provided, single submitter. Criteria: Ambry Variant Classification Scheme 2023. Collection method: clinical testing. Allele origin: germline. Not counted in ClinVar's aggregate classification.
Comment: The p.M1? pathogenic mutation (also known as c.3G>T) is located in coding exon 1 of the BRCA1 gene and results from a G to T substitution at nucleotide position 3. This alters the methionine residue at the initiation codon (ATG). This alteration has been reported in multiple individuals suspected of hereditary breast and/or ovarian cancer (Shih HA et al. J Clin Oncol. 2002 Feb 15;20(4):994-9; Abkevich V et al. J Med Genet. 2004 Jul;41(7):492-507; Millot GA et al. Hum Mutat. 2012 Nov;33(11):1526-37; Walsh T et al. PNAS. 2011; 108(44):18032-7). This mutation is believed to shift the initiation codon to position 18, producing a BRCA1 protein truncated by 17 amino acids (Couch FJ and Weber BL. Hum Mutat. 1996;8(1):8-18). Well established evidence from the literature on the BRCA1 RING domain indicates the crucial importance of the first 17 amino acids in maintaining the normal structure and function of the protein (Brzovic PS et al Nat Struct Biol. 2001; 8(10): 833-7; Brzovic PS et al J Biol Chem. 2001; 276(44):41399-406; Brzovic PS et al PNAS. 2003;100(10):5646-51). One functional study found that this nucleotide substitution is deleterious in a high throughput genome editing haploid cell survival assay (Findlay GM et al. Nature 2018 10;562(7726):217-222). This variant is considered to be rare based on population cohorts in the Genome Aggregation Database (gnomAD). In addition to the clinical data presented in the literature, sequence variations that modify the initiation codon are expected to result in either loss of translation initiation, N-terminal truncation, or cause a shift in the mRNA reading frame. Based on the supporting evidence, this variant is interpreted as a disease-causing mutation.

Labcorp Genetics (formerly Invitae), Labcorp
Classification: Pathogenic for Hereditary breast ovarian cancer syndrome. Last evaluated: 2024-04-22. Review status: criteria provided, single submitter. Criteria: Invitae Variant Classification Sherloc (09022015). Collection method: clinical testing. Allele origin: germline. Not counted in ClinVar's aggregate classification.
Comment: This sequence change affects the initiator methionine of the BRCA1 mRNA. The next in-frame methionine is located at codon 18. This variant is not present in population databases (gnomAD no frequency). Disruption of the initiator codon has been observed in individual(s) with breast and/or ovarian cancer (PMID: 9145677, 22006311; Invitae). This variant is also known as Met1Ile. ClinVar contains an entry for this variant (Variation ID: 55072). Studies have shown that disruption of the initiator codon alters BRCA1 gene expression (PMID: 21922593). For these reasons, this variant has been classified as Pathogenic.

Quest Diagnostics Nichols Institute San Juan Capistrano
Classification: Pathogenic. Last evaluated: 2023-11-14. Review status: criteria provided, single submitter. Criteria: Quest Diagnostics criteria. Collection method: clinical testing. Allele origin: unknown. Not counted in ClinVar's aggregate classification.
Comment: The BRCA1 c.3G>T variant disrupts the translation initiation codon of the BRCA1 mRNA and is predicted to interfere with BRCA1 protein synthesis. This variant has been reported in the published literature in affected individuals with breast and/or ovarian cancer (PMIDs: 22006311 (2011), 30702160 (2019), 31825140 (2019)), as well as in breast cancer cases in a large scale breast cancer association study (PMID: 33471991 (2021), see also LOVD). A functional study showed this variant lost functional activity in a large-scale study using a haploid cell line (PMID: 30209399 (2018)). The variant has also been characterized as being pathogenic in a multifactorial likelihood study (PMID: 31131967 (2019)). This variant has not been reported in large, multi-ethnic general populations (Genome Aggregation Database). Based on the available information, this variant is classified as pathogenic.

Fulgent Genetics
Classification: Pathogenic for Familial cancer of breast; Breast-ovarian cancer, familial, susceptibility to, 1; Pancreatic cancer, susceptibility to, 4; Fanconi anemia, complementation group S. Last evaluated: 2018-10-31. Review status: criteria provided, single submitter. Criteria: ACMG Guidelines, 2015. Collection method: clinical testing. Allele origin: unknown. Not counted in ClinVar's aggregate classification.

Blueprint Genetics
Classification: Pathogenic for BRCA1-related disorders. Last evaluated: 2018-05-22. Review status: criteria provided, single submitter. Criteria: ACMG Guidelines, 2015. Collection method: clinical testing. Allele origin: germline. Affected: yes. Observed: 1 variant allele. Not counted in ClinVar's aggregate classification.

Consortium of Investigators of Modifiers of BRCA1/2 (CIMBA), c/o University of Cambridge
Classification: Pathogenic for Breast-ovarian cancer, familial, susceptibility to, 1. Last evaluated: 2015-10-02. Review status: criteria provided, single submitter. Criteria: CIMBA Mutation Classification guidelines May 2016. Collection method: clinical testing. Allele origin: germline. Not counted in ClinVar's aggregate classification.

Research Molecular Genetics Laboratory, Women's College Hospital, University of Toronto
Classification: Pathogenic for Hereditary breast ovarian cancer syndrome. Last evaluated: 2014-01-31. Review status: no assertion criteria provided. Collection method: research. Allele origin: germline. Affected: yes. Study: The Canadian Open Genetics Repository (COGR). Not counted in ClinVar's aggregate classification.